The following is an entry in ClinVar:

ClinVar aggregate classification (germline): Uncertain significance (1 of 4 stars; one submission).

Conditions:
CYP21A2-related disorder. Also called: CYP21A2-related condition.

Allele frequency attached by ClinVar (database versions not stated): gnomAD 0.00081; 1000 Genomes Project 30x 0.00094; TOPMed 0.00095; 1000 Genomes Project 0.00120; gnomAD exomes 0.00005.

Submission:

PreventionGenetics, part of Exact Sciences
Classification: Uncertain significance for CYP21A2-related condition. Last evaluated: 2022-11-12. Review status: criteria provided, single submitter. Criteria: ACMG Guidelines, 2015. Collection method: clinical testing. Allele origin: germline.
Comment: The CYP21A2 c.-102G>A variant is located in the 5' untranslated region. To our knowledge, this variant has not been reported in the literature. This variant is reported in 0.21% of alleles in individuals of African descent in gnomAD. However, this minor allele frequency based on the current next-generation sequencing technology may not be an accurate estimate because this variant is located within a highly homologous sequence region (Mandelker et al. 2016. PubMed ID: 27228465). Of note, promoter variants in CYP21A2 have been reported to reduce transcriptional activities and therefore possibly associated to milder disease expressivity (Zhang et al. 2009. PubMed ID: 18702679; Araújo et al. 2007. PubMed ID: 17666484). At this time, the clinical significance of this variant is uncertain due to the absence of conclusive functional and genetic evidence.

NM_000500.7(CYP21A2):c.-102G>A

Genes: CYP21A2 (cytochrome P450 family 21 subfamily A member 2; plus strand), LOC106780800 (CYP21A2 recombination region; plus strand), LOC110631417 (CYP21A2 5' regulatory region; plus strand). Cytogenetic location: 6p21.33.
Variant type: single nucleotide variant.
Coding change: c.-102G>A on transcript NM_000500.7; 102 bases upstream of the start codon, G replaced by A.
Genome position (GRCh38, 1-based): chr6:32,038,321, G>A. VCF-style: chr6-32038321-G-A. GRCh37 (hg19) VCF-style: chr6-32006098-G-A.
Identifiers: ClinVar variation 2636024 (VCV002636024.1), dbSNP rs544417036, ClinGen allele CA136893187.
Genomic context (GRCh38, chr6:32,038,321, plus strand): 5'-GACTGGTGTCATTCCAGAAAAGGGCCACTCTGTGGGCGGGTCGGTGGGAGGGTACCTGAA[G>A]GTGGGGTCAAGGGAGGCCCCAAAACAGTCTACACAGCAGGAGGGATGGCTGGGGCTCTTG-3'